The following is an entry in ClinVar:

ClinVar aggregate classification (germline): Likely benign (1 of 4 stars; one submission).

Conditions:
VWF-related disorder. Also called: VWF-related disorders; VWF-related condition.

gnomAD v4.1: 103 of 1,614,218 alleles (0.0064%); highest among the groups gnomAD compares: East Asian, 0.17%; no homozygotes.

Submission:

PreventionGenetics, part of Exact Sciences
Classification: Likely benign for VWF-related condition. Last evaluated: 2026-03-17. Review status: criteria provided, single submitter. Criteria: ACMG Guidelines, 2015. Collection method: clinical testing. Allele origin: germline.
Comment: This variant is classified as likely benign based on ACMG/AMP sequence variant interpretation guidelines (Richards et al. 2015 PMID: 25741868, with internal and published modifications).

NM_000552.5(VWF):c.6669C>T (p.Asn2223=)

Gene: VWF (von Willebrand factor; minus strand). Cytogenetic location: 12p13.31.
Variant type: single nucleotide variant.
Coding change: c.6669C>T on transcript NM_000552.5 (MANE Select); coding-DNA position 6669, C replaced by T.
Protein change: p.Asn2223=; no amino-acid change (asparagine 2223 retained).
Molecular consequence: synonymous variant.
Genome position (GRCh38, 1-based): chr12:5,991,948, G>A on the plus strand (C>T on the coding strand, the complement: VWF is on the minus strand). VCF-style: chr12-5991948-G-A. GRCh37 (hg19) VCF-style: chr12-6101114-G-A.
Identifiers: ClinVar variation 4988898 (VCV004988898.1).
Genomic context (GRCh38, chr12:5,991,948, plus strand): 5'-CATGACTTTATCTGGAGGGCAGAAACAGCCTTCGGAGGGATGGTCCCCACAGGAGCTCAC[G>A]TTGCCATCACAGTGCCGGGGACAGCCATGCTCACAGTGGTTGTAGACCAGAGATGGTGGG-3'
Protein context (NP_000543.3, residues 2213-2233): EHGCPRHCDG[Asn2223=]VSSCGDHPSE